The following is an entry in ClinVar:

NM_002972.4(SBF1):c.1634T>C (p.Met545Thr)

Gene: SBF1 (SET binding factor 1; minus strand). Cytogenetic location: 22q13.33.
Variant type: single nucleotide variant.
Coding change: c.1634T>C on transcript NM_002972.4 (MANE Select); coding-DNA position 1634, T replaced by C.
Protein change: p.Met545Thr; replaces methionine 545 with threonine.
Molecular consequence: missense variant.
Genome position (GRCh38, 1-based): chr22:50,464,536, A>G on the plus strand (T>C on the coding strand, the complement: SBF1 is on the minus strand). VCF-style: chr22-50464536-A-G. GRCh37 (hg19) VCF-style: chr22-50902965-A-G.
Other names: c.1634T>C (NM_002972.2); c.1637T>C, p.Met546Thr (NM_001365819.1); short protein forms M545T, M546T.
Identifiers: ClinVar variation 1162897 (VCV001162897.10), dbSNP rs761712897, ClinGen allele CA10317600.

ClinVar aggregate classification (germline): Uncertain significance. Review status: criteria provided, multiple submitters, no conflicts (2 of 4 stars). 4 submissions from 4 submitters: Uncertain significance (4). Last evaluated 2025-03-27.

Conditions:
SBF1-related disorder. Also called: SBF1-related condition.

Allele frequency attached by ClinVar (database versions not stated): ExAC 0.00001; gnomAD 0.00001 and 0.00002; gnomAD exomes 0.00001 and 0.00002; TOPMed 0.00002.
gnomAD v4.1: 21 of 1,609,372 alleles (0.0013%); highest among the groups gnomAD compares: Admixed American, 0.005%; no homozygotes.

Submissions (4):

PreventionGenetics, part of Exact Sciences
Classification: Uncertain significance for SBF1-related condition. Last evaluated: 2025-03-27. Review status: criteria provided, single submitter. Criteria: ACMG Guidelines, 2015. Collection method: clinical testing. Allele origin: germline.
Comment: The SBF1 c.1634T>C variant is predicted to result in the amino acid substitution p.Met545Thr. To our knowledge, this variant has not been reported in the literature. This variant is reported in 0.0032% of alleles in individuals of European (Non-Finnish) descent in gnomAD. At this time, the clinical significance of this variant is uncertain due to the absence of conclusive functional and genetic evidence.

Ambry Genetics
Classification: Uncertain significance. Last evaluated: 2024-06-22. Review status: criteria provided, single submitter. Criteria: Ambry Variant Classification Scheme 2023. Collection method: clinical testing. Allele origin: germline.

Labcorp Genetics (formerly Invitae), Labcorp
Classification: Uncertain significance. Last evaluated: 2022-10-18. Review status: criteria provided, single submitter. Criteria: Invitae Variant Classification Sherloc (09022015). Collection method: clinical testing. Allele origin: germline.
Comment: This variant is present in population databases (rs761712897, gnomAD 0.003%). This sequence change replaces methionine, which is neutral and non-polar, with threonine, which is neutral and polar, at codon 545 of the SBF1 protein (p.Met545Thr). This variant has not been reported in the literature in individuals affected with SBF1-related conditions. ClinVar contains an entry for this variant (Variation ID: 1162897). In summary, the available evidence is currently insufficient to determine the role of this variant in disease. Therefore, it has been classified as a Variant of Uncertain Significance. Algorithms developed to predict the effect of missense changes on protein structure and function are either unavailable or do not agree on the potential impact of this missense change (SIFT: "Deleterious"; PolyPhen-2: "Benign"; Align-GVGD: "Class C0").

Mayo Clinic Laboratories, Mayo Clinic
Classification: Uncertain significance. Last evaluated: 2020-09-10. Review status: criteria provided, single submitter. Criteria: ACMG Guidelines, 2015. Collection method: clinical testing. Allele origin: germline. Observed: 1 variant allele.